The following is an entry in ClinVar:

NM_001105206.3(LAMA4):c.2201C>A (p.Ser734Tyr)

Gene: LAMA4 (laminin subunit alpha 4; minus strand). Cytogenetic location: 6q21.
Variant type: single nucleotide variant.
Coding change: c.2201C>A on transcript NM_001105206.3 (MANE Select); coding-DNA position 2201, C replaced by A.
Protein change: p.Ser734Tyr; replaces serine 734 with tyrosine.
Molecular consequence: missense variant.
Genome position (GRCh38, 1-based): chr6:112,148,309, G>T on the plus strand (C>A on the coding strand, the complement: LAMA4 is on the minus strand). VCF-style: chr6-112148309-G-T. GRCh37 (hg19) VCF-style: chr6-112469511-G-T.
Other names: c.2180C>A, p.Ser727Tyr (NM_001105207.3, NM_002290.5); short protein forms S727Y, S734Y.
Identifiers: ClinVar variation 3222029 (VCV003222029.1), dbSNP rs1780158816, ClinGen allele CA365383730.
Genomic context (GRCh38, chr6:112,148,309, plus strand): 5'-GGGGCAGTGGCCTGCTGCACCTCCATCGTCGTCCTGTTGGCTTCCTCGGTGATCAGTCTA[G>T]ACTGCCCCAGGCGCTGCTGGGCATCCCCTTTACACAGAGCACAGGGTCATTCACTTTGCA-3'
Protein context (NP_001098676.2, residues 724-744): RGDAQQRLGQ[Ser734Tyr]RLITEEANRT

ClinVar aggregate classification (germline): Uncertain significance (1 of 4 stars; one submission).

Conditions:
Cardiovascular phenotype. Identifiers: MedGen CN230736.

Submission:

Ambry Genetics
Classification: Uncertain significance for Cardiovascular phenotype. Last evaluated: 2024-03-13. Review status: criteria provided, single submitter. Criteria: Ambry Variant Classification Scheme 2023. Collection method: clinical testing. Allele origin: germline.
Comment: The p.S727Y variant (also known as c.2180C>A), located in coding exon 17 of the LAMA4 gene, results from a C to A substitution at nucleotide position 2180. The serine at codon 727 is replaced by tyrosine, an amino acid with dissimilar properties. This amino acid position is conserved. In addition, this alteration is predicted to be tolerated by in silico analysis. Based on the available evidence, the clinical significance of this alteration remains unclear.